The following is an entry in ClinVar:

NM_213655.5(WNK1):c.3218G>A (p.Arg1073His)

Gene: WNK1 (WNK lysine deficient protein kinase 1; plus strand). Cytogenetic location: 12p13.33.
Variant type: single nucleotide variant.
Coding change: c.3218G>A on transcript NM_213655.5 (MANE Plus Clinical); coding-DNA position 3218, G replaced by A.
Protein change: p.Arg1073His; replaces arginine 1073 with histidine.
Molecular consequence: missense variant. On other transcripts: intron variant (2).
Genome position (GRCh38, 1-based): chr12:868,689, G>A. VCF-style: chr12-868689-G-A. GRCh37 (hg19) VCF-style: chr12-977855-G-A.
Other names: c.2963G>A, p.Arg988His (NM_001184985.2); c.2140-2576G>A (NM_018979.4, NM_014823.3); short protein forms R988H, R1073H.
Identifiers: ClinVar variation 952301 (VCV000952301.10), dbSNP rs745947901, ClinGen allele CA6382314.

ClinVar aggregate classification (germline): Uncertain significance. Review status: criteria provided, multiple submitters, no conflicts (2 of 4 stars). 2 submissions from 2 submitters: Uncertain significance (2). Last evaluated 2024-07-30.

Conditions:
Neuropathy, hereditary sensory and autonomic, type 2A (HSAN2A). Also called: ACROOSTEOLYSIS, GIACCAI TYPE; ACROOSTEOLYSIS, NEUROGENIC; WNK1-Related HSAN2 (HSAN2A); HSAN IIA; MORVAN DISEASE; NEUROPATHY, CONGENITAL SENSORY. Identifiers: Orphanet 970, MedGen C2752089, MONDO:0024309, OMIM 201300.
Pseudohypoaldosteronism type 2C (PHA2C). Also called: Pseudohypoaldosteronism Type IIC. Identifiers: Orphanet 757, Orphanet 88940, MedGen C1840391, MONDO:0013778, OMIM 614492.

Allele frequency attached by ClinVar (database versions not stated): gnomAD exomes 0.00001 and 0.00002; ExAC 0.00002.
gnomAD v4.1: 19 of 1,613,896 alleles (0.0012%); highest among the groups gnomAD compares: East Asian, 0.0067%; no homozygotes.

Submissions (2):

Labcorp Genetics (formerly Invitae), Labcorp
Classification: Uncertain significance for Neuropathy, hereditary sensory and autonomic, type 2A; Pseudohypoaldosteronism type 2C. Last evaluated: 2024-07-30. Review status: criteria provided, single submitter. Criteria: Invitae Variant Classification Sherloc (09022015). Collection method: clinical testing. Allele origin: germline.
Comment: This sequence change replaces arginine, which is basic and polar, with histidine, which is basic and polar, at codon 1073 of the WNK1 protein (p.Arg1073His). This variant is present in population databases (rs745947901, gnomAD 0.02%). This variant has not been reported in the literature in individuals affected with WNK1-related conditions. ClinVar contains an entry for this variant (Variation ID: 952301). Advanced modeling of protein sequence and biophysical properties (such as structural, functional, and spatial information, amino acid conservation, physicochemical variation, residue mobility, and thermodynamic stability) performed at Invitae indicates that this missense variant is not expected to disrupt WNK1 protein function with a negative predictive value of 95%. In summary, the available evidence is currently insufficient to determine the role of this variant in disease. Therefore, it has been classified as a Variant of Uncertain Significance.

Fulgent Genetics
Classification: Uncertain significance for Neuropathy, hereditary sensory and autonomic, type 2A; Pseudohypoaldosteronism type 2C. Last evaluated: 2022-02-02. Review status: criteria provided, single submitter. Criteria: ACMG Guidelines, 2015. Collection method: clinical testing. Allele origin: unknown.